The following is an entry in ClinVar:

NM_001077365.2(POMT1):c.506C>G (p.Ser169Cys)

Gene: POMT1 (protein O-mannosyltransferase 1; plus strand). Cytogenetic location: 9q34.13.
Variant type: single nucleotide variant.
Coding change: c.506C>G on transcript NM_001077365.2 (MANE Select); coding-DNA position 506, C replaced by G.
Protein change: p.Ser169Cys; replaces serine 169 with cysteine.
Molecular consequence: missense variant. On other transcripts: non-coding transcript variant (8).
Genome position (GRCh38, 1-based): chr9:131,508,989, C>G. VCF-style: chr9-131508989-C-G. GRCh37 (hg19) VCF-style: chr9-134384376-C-G.
Other names: c.506C>G (NM_007171.3); c.344C>G, p.Ser115Cys (NM_001077366.2, NM_001353194.2, NM_001353197.2 and 3 more transcripts); c.506C>G, p.Ser169Cys (NM_001136113.2, NM_001353193.2, NM_001374690.1 and 1 more transcripts); c.155C>G, p.Ser52Cys (NM_001136114.2, NM_001353195.2, NM_001353199.2 and 2 more transcripts); c.416C>G, p.Ser139Cys (NM_001353196.2); c.50C>G, p.Ser17Cys (NM_001353200.2, NM_001374695.1); c.-631C>G (NM_001411024.1); short protein forms S139C, S169C, S115C, S17C, S52C.
Identifiers: ClinVar variation 2114410 (VCV002114410.5), dbSNP rs1054239530, ClinGen allele CA375307032.
Genomic context (GRCh38, chr9:131,508,989, plus strand): 5'-AGTCAAGGCTAATGCTTTTGGAATCAGTGTTAATATTTTTCAATCTATTGGCCGTGTTGT[C>G]CTACCTGAAGTTCTTCAACTGCCAAAAGCACAGGTATGGAAAATGGAGTGTCTTCCTAGT-3'
Protein context (NP_001070833.1, residues 159-179): LIFFNLLAVL[Ser169Cys]YLKFFNCQKH

ClinVar aggregate classification (germline): Uncertain significance. Review status: criteria provided, multiple submitters, no conflicts (2 of 4 stars). 3 submissions from 3 submitters: Uncertain significance (3). Last evaluated 2023-10-31.

Conditions:
Muscular dystrophy-dystroglycanopathy (congenital with impaired intellectual development), type B, 1. Also called: Muscular dystrophy-dystroglycanopathy (congenital with intellectual disability), type B1; MUSCULAR DYSTROPHY, CONGENITAL, POMT1-RELATED. Identifiers: MedGen C5436962, MONDO:0013159, OMIM 613155.
Walker-Warburg congenital muscular dystrophy. Also called: Muscular dystrophy-dystroglycanopathy, type A; Walker-Warburg syndrome. Identifiers: Orphanet 899, MedGen C0265221, MONDO:0000171.
Autosomal recessive limb-girdle muscular dystrophy type 2K. Also called: MUSCULAR DYSTROPHY-DYSTROGLYCANOPATHY (LIMB-GIRDLE), TYPE C, 1; MUSCULAR DYSTROPHY, LIMB-GIRDLE, TYPE 2K. Identifiers: Orphanet 86812, MedGen C1836373, MONDO:0012248, OMIM 609308.

gnomAD v4.1: 4 of 1,613,502 alleles (0.00025%); highest among the groups gnomAD compares: African/African-American, 0.0053%; no homozygotes.

Submissions (3):

Women's Health and Genetics/Laboratory Corporation of America, LabCorp
Classification: Uncertain significance. Last evaluated: 2023-10-31. Review status: criteria provided, single submitter. Criteria: LabCorp Variant Classification Summary - May 2015. Collection method: clinical testing. Allele origin: germline.
Comment: Variant summary: POMT1 c.506C>G (p.Ser169Cys) results in a non-conservative amino acid change located in the Glycosyl transferase family 39/83 (IPR003342) of the encoded protein sequence. Three of five in-silico tools predict a benign effect of the variant on protein function. The variant allele was found at a frequency of 4e-06 in 251440 control chromosomes. The available data on variant occurrences in the general population are insufficient to allow any conclusion about variant significance. To our knowledge, no occurrence of c.506C>G in individuals affected with Limb-Girdle Muscular Dystrophy, Autosomal Recessive and no experimental evidence demonstrating its impact on protein function have been reported. Two submitters have cited clinical-significance assessments for this variant to ClinVar after 2014. All submitters classified the variant as uncertain significance. Based on the evidence outlined above, the variant was classified as uncertain significance.

Revvity Omics, Revvity
Classification: Uncertain significance. Last evaluated: 2022-12-13. Review status: criteria provided, single submitter. Criteria: ACMG Guidelines, 2015. Collection method: clinical testing. Allele origin: germline.

Labcorp Genetics (formerly Invitae), Labcorp
Classification: Uncertain significance for Muscular dystrophy-dystroglycanopathy (congenital with impaired intellectual development), type B, 1; Walker-Warburg congenital muscular dystrophy; Autosomal recessive limb-girdle muscular dystrophy type 2K. Last evaluated: 2022-03-19. Review status: criteria provided, single submitter. Criteria: Invitae Variant Classification Sherloc (09022015). Collection method: clinical testing. Allele origin: germline.
Comment: This sequence change replaces serine, which is neutral and polar, with cysteine, which is neutral and slightly polar, at codon 169 of the POMT1 protein (p.Ser169Cys). This variant is present in population databases (no rsID available, gnomAD 0.008%). This variant has not been reported in the literature in individuals affected with POMT1-related conditions. Algorithms developed to predict the effect of missense changes on protein structure and function (SIFT, PolyPhen-2, Align-GVGD) all suggest that this variant is likely to be tolerated. In summary, the available evidence is currently insufficient to determine the role of this variant in disease. Therefore, it has been classified as a Variant of Uncertain Significance.